The following is an entry in ClinVar:

NM_020708.5(SLC12A5):c.689T>G (p.Met230Arg)

Gene: SLC12A5 (solute carrier family 12 member 5; plus strand). Cytogenetic location: 20q13.12.
Variant type: single nucleotide variant.
Coding change: c.689T>G on transcript NM_020708.5 (MANE Select); coding-DNA position 689, T replaced by G.
Protein change: p.Met230Arg; replaces methionine 230 with arginine.
Molecular consequence: missense variant.
Genome position (GRCh38, 1-based): chr20:46,040,449, T>G. VCF-style: chr20-46040449-T-G. GRCh37 (hg19) VCF-style: chr20-44669088-T-G.
Other names: c.758T>G, p.Met253Arg (NM_001134771.2); short protein forms M230R, M253R.
Identifiers: ClinVar variation 1513843 (VCV001513843.8), dbSNP rs2084535623, ClinGen allele CA409189770.
Genomic context (GRCh38, chr20:46,040,449, plus strand): 5'-CCATGGCCATCTTCAAGGCAGAAGATGCCAGTGGGGAGGCAGCAGCCATGCTGAACAACA[T>G]GCGTGTTTACGGCACCTGTGTGCTCACCTGCATGGCCACTGTGGTGTTTGTGGGTGTCAA-3'
Protein context (NP_065759.1, residues 220-240): SGEAAAMLNN[Met230Arg]RVYGTCVLTC

ClinVar aggregate classification (germline): Uncertain significance (1 of 4 stars; one submission).

Conditions:
Developmental and epileptic encephalopathy, 34 (DEE34). Also called: SLC12A5-Related Epilepsy of Infancy with Migrating Focal Seizures; Early infantile epileptic encephalopathy 34. Identifiers: Orphanet 293181, MedGen C4225257, MONDO:0014718, OMIM 616645.

Submission:

Labcorp Genetics (formerly Invitae), Labcorp
Classification: Uncertain significance for Developmental and epileptic encephalopathy, 34. Last evaluated: 2021-02-28. Review status: criteria provided, single submitter. Criteria: Invitae Variant Classification Sherloc (09022015). Collection method: clinical testing. Allele origin: germline.
Comment: This variant is not present in population databases (ExAC no frequency). In summary, the available evidence is currently insufficient to determine the role of this variant in disease. Therefore, it has been classified as a Variant of Uncertain Significance. Advanced modeling of protein sequence and biophysical properties (such as structural, functional, and spatial information, amino acid conservation, physicochemical variation, residue mobility, and thermodynamic stability) performed at Invitae indicates that this missense variant is expected to disrupt SLC12A5 protein function. This variant has not been reported in the literature in individuals with SLC12A5-related conditions. This sequence change replaces methionine with arginine at codon 230 of the SLC12A5 protein (p.Met230Arg). The methionine residue is moderately conserved and there is a moderate physicochemical difference between methionine and arginine.